The following is an entry in ClinVar:

NM_001020658.2(PUM1):c.1661C>T (p.Ala554Val)

Gene: PUM1 (pumilio RNA binding family member 1; minus strand). Cytogenetic location: 1p35.2.
Variant type: single nucleotide variant.
Coding change: c.1661C>T on transcript NM_001020658.2 (MANE Select); coding-DNA position 1661, C replaced by T.
Protein change: p.Ala554Val; replaces alanine 554 with valine.
Molecular consequence: missense variant.
Genome position (GRCh38, 1-based): chr1:30,967,295, G>A on the plus strand (C>T on the coding strand, the complement: PUM1 is on the minus strand). VCF-style: chr1-30967295-G-A. GRCh37 (hg19) VCF-style: chr1-31440142-G-A.
Other names: c.1661C>T, p.Ala554Val (NM_014676.3); short protein forms A554V.
Identifiers: ClinVar variation 3900110 (VCV003900110.1).

ClinVar aggregate classification (germline): Uncertain significance (1 of 4 stars; one submission).

Submission:

GeneDx
Classification: Uncertain significance. Last evaluated: 2024-11-25. Review status: criteria provided, single submitter. Criteria: GeneDx Variant Classification Process June 2021. Collection method: clinical testing. Allele origin: germline. Affected: yes.
Comment: Not observed at significant frequency in large population cohorts (gnomAD); In silico analysis indicates that this missense variant does not alter protein structure/function; Has not been previously published as pathogenic or benign to our knowledge